The following is an entry in ClinVar:

NM_000369.5(TSHR):c.1742dup (p.Tyr582fs)

Genes: TSHR (thyroid stimulating hormone receptor; plus strand), TSHR-AS1 (TSHR antisense RNA 1; minus strand). Cytogenetic location: 14q31.1.
Variant type: Duplication.
Coding change: c.1742dup on transcript NM_000369.5 (MANE Select); coding-DNA position 1742, one base duplicated (C; older notation c.1742dupC).
Protein change: p.Tyr582fs; shifts the reading frame from tyrosine 582.
Molecular consequence: frameshift variant.
Genome position (GRCh38, 1-based): chr14:81,143,800, C duplicated. VCF-style (leftmost placement, unchanged base first): chr14-81143799-G-GC. GRCh37 (hg19) VCF-style: chr14-81610143-G-GC.
Other names: short protein forms Y582fs.
Identifiers: ClinVar variation 2750461 (VCV002750461.3), dbSNP rs2503947416, ClinGen allele CA2697554074.

ClinVar aggregate classification (germline): Pathogenic (1 of 4 stars; one submission).

Submission:

Labcorp Genetics (formerly Invitae), Labcorp
Classification: Pathogenic. Last evaluated: 2023-08-05. Review status: criteria provided, single submitter. Criteria: Invitae Variant Classification Sherloc (09022015). Collection method: clinical testing. Allele origin: germline.
Comment: For these reasons, this variant has been classified as Pathogenic. This variant disrupts a region of the TSHR protein in which other variant(s) (p.Leu653Val) have been determined to be pathogenic (PMID: 17456567, 19240155). This suggests that this is a clinically significant region of the protein, and that variants that disrupt it are likely to be disease-causing. This variant has not been reported in the literature in individuals affected with TSHR-related conditions. This variant is not present in population databases (gnomAD no frequency). This sequence change creates a premature translational stop signal (p.Tyr582Ilefs*76) in the TSHR gene. While this is not anticipated to result in nonsense mediated decay, it is expected to disrupt the last 183 amino acid(s) of the TSHR protein.

Literature cited by the submitters: PubMed 17456567; PubMed 19240155.